The following is an entry in ClinVar:

ClinVar aggregate classification (germline): Likely benign. Review status: criteria provided, multiple submitters, no conflicts (2 of 4 stars). 7 submissions from 7 submitters: Likely benign (5). 2 of the submissions do not count toward it. Last evaluated 2025-12-30.

Conditions:
CEP135-related disorder. Also called: CEP135-related condition.
Inborn genetic diseases. Identifiers: MedGen C0950123, MeSH D030342.
Microcephaly 8, primary, autosomal recessive. Identifiers: Orphanet 2512, MedGen C3553414, MONDO:0013849, OMIM 614673.

Allele frequency attached by ClinVar (database versions not stated): gnomAD exomes 0.00020 and 0.00049; ExAC 0.00058; 1000 Genomes Project 30x 0.00156; 1000 Genomes Project 0.00160; ESP Exome Variant Server 0.00169; TOPMed 0.00205 and 0.00229; gnomAD 0.00215 and 0.00232.
gnomAD v4.1: 633 of 1,613,402 alleles (0.039%); highest among the groups gnomAD compares: African/African-American, 0.75%; 5 homozygotes.

Submissions (7):

Labcorp Genetics (formerly Invitae), Labcorp
Classification: Likely benign. Last evaluated: 2025-12-30. Review status: criteria provided, single submitter. Criteria: Invitae Variant Classification Sherloc (09022015). Collection method: clinical testing. Allele origin: germline.

Blueprint Genetics
Classification: Likely benign. Last evaluated: 2024-11-25. Review status: criteria provided, single submitter. Criteria: ACMG Guidelines, 2015. Collection method: clinical testing. Allele origin: germline.

Genetic Services Laboratory, University of Chicago
Classification: Likely benign. Last evaluated: 2021-11-19. Review status: criteria provided, single submitter. Criteria: ACMG Guidelines, 2015. Collection method: clinical testing. Allele origin: germline. Affected: no.

Ambry Genetics
Classification: Likely benign for Inborn genetic diseases. Last evaluated: 2021-07-21. Review status: criteria provided, single submitter. Criteria: Ambry Variant Classification Scheme 2023. Collection method: clinical testing. Allele origin: germline.

GeneDx
Classification: Likely benign. Last evaluated: 2021-03-01. Review status: criteria provided, single submitter. Criteria: GeneDx Variant Classification Process June 2021. Collection method: clinical testing. Allele origin: germline. Affected: yes.

PreventionGenetics, part of Exact Sciences
Classification: Benign for CEP135-related condition. Last evaluated: 2019-09-26. Review status: no assertion criteria provided. Collection method: clinical testing. Allele origin: germline. Not counted in ClinVar's aggregate classification.
Comment: This variant is classified as benign based on ACMG/AMP sequence variant interpretation guidelines (Richards et al. 2015 PMID: 25741868, with internal and published modifications).

Service de Génétique Moléculaire, Hôpital Robert Debré
Classification: Likely benign for Microcephaly 8, primary, autosomal recessive. Review status: no assertion criteria provided. Collection method: clinical testing. Allele origin: unknown. Affected: yes. Not counted in ClinVar's aggregate classification.

NM_025009.5(CEP135):c.2971A>G (p.Met991Val)

Gene: CEP135 (centrosomal protein 135; plus strand). Cytogenetic location: 4q12.
Variant type: single nucleotide variant.
Coding change: c.2971A>G on transcript NM_025009.5 (MANE Select); coding-DNA position 2971, A replaced by G.
Protein change: p.Met991Val; replaces methionine 991 with valine.
Molecular consequence: missense variant.
Genome position (GRCh38, 1-based): chr4:56,017,816, A>G. VCF-style: chr4-56017816-A-G. GRCh37 (hg19) VCF-style: chr4-56883982-A-G.
Other names: c.2971A>G (NM_025009.3); short protein forms M991V.
Identifiers: ClinVar variation 720572 (VCV000720572.20), dbSNP rs115646074, ClinGen allele CA2928298.